The following is an entry in ClinVar:

NM_014159.7(SETD2):c.6881C>T (p.Thr2294Ile)

Gene: SETD2 (SET domain containing 2, histone lysine methyltransferase; minus strand). Cytogenetic location: 3p21.31.
Variant type: single nucleotide variant.
Coding change: c.6881C>T on transcript NM_014159.7 (MANE Select); coding-DNA position 6881, C replaced by T.
Protein change: p.Thr2294Ile; replaces threonine 2294 with isoleucine.
Molecular consequence: missense variant. On other transcripts: non-coding transcript variant (1).
Genome position (GRCh38, 1-based): chr3:47,056,903, G>A on the plus strand (C>T on the coding strand, the complement: SETD2 is on the minus strand). VCF-style: chr3-47056903-G-A. GRCh37 (hg19) VCF-style: chr3-47098393-G-A.
Other names: c.6749C>T, p.Thr2250Ile (NM_001349370.3); short protein forms T2294I, T2250I.
Identifiers: ClinVar variation 3673178 (VCV003673178.2).
Genomic context (GRCh38, chr3:47,056,903, plus strand): 5'-TGTGAATAAGGTGATGTCACACCATAGACTGTTGGACATGTCTGTCCTTGATAATATATG[G>A]TTGCTTGAGACTGTGCAGGAGAGTACTGCTGCTGTACACTGACAGACTGTTGGTTTGAAT-3'
Protein context (NP_054878.5, residues 2284-2304): QQYSPAQSQA[Thr2294Ile]IYYQGQTCPT

ClinVar aggregate classification (germline): Uncertain significance (1 of 4 stars; one submission).

Conditions:
Luscan-Lumish syndrome. Identifiers: Orphanet 597738, MedGen C4085873, MONDO:0014791, OMIM 616831.

gnomAD v4.1: 5 of 1,614,206 alleles (0.00031%); highest among the groups gnomAD compares: East Asian, 0.0022%; no homozygotes.

Submission:

Labcorp Genetics (formerly Invitae), Labcorp
Classification: Uncertain significance for Luscan-Lumish syndrome. Last evaluated: 2024-04-06. Review status: criteria provided, single submitter. Criteria: Invitae Variant Classification Sherloc (09022015). Collection method: clinical testing. Allele origin: germline.
Comment: This sequence change replaces threonine, which is neutral and polar, with isoleucine, which is neutral and non-polar, at codon 2294 of the SETD2 protein (p.Thr2294Ile). This variant is not present in population databases (gnomAD no frequency). This variant has not been reported in the literature in individuals affected with SETD2-related conditions. An algorithm developed to predict the effect of missense changes on protein structure and function (PolyPhen-2) suggests that this variant is likely to be tolerated. In summary, the available evidence is currently insufficient to determine the role of this variant in disease. Therefore, it has been classified as a Variant of Uncertain Significance.